The following is an entry in ClinVar:

NM_145728.3(SYNM):c.695A>T (p.Gln232Leu)

Gene: SYNM (synemin; plus strand). Cytogenetic location: 15q26.3.
Variant type: single nucleotide variant.
Coding change: c.695A>T on transcript NM_145728.3 (MANE Select); coding-DNA position 695, A replaced by T.
Protein change: p.Gln232Leu; replaces glutamine 232 with leucine.
Molecular consequence: missense variant.
Genome position (GRCh38, 1-based): chr15:99,105,894, A>T. VCF-style: chr15-99105894-A-T. GRCh37 (hg19) VCF-style: chr15-99646100-A-T.
Other names: c.695A>T, p.Gln232Leu (NM_015286.6); short protein forms Q232L.
Identifiers: ClinVar variation 3048253 (VCV003048253.2), dbSNP rs782304866, ClinGen allele CA393668290.

ClinVar aggregate classification (germline): Benign (0 of 4 stars; one submission).

Conditions:
SYNM-related disorder. Also called: SYNM-related condition.

Allele frequency attached by ClinVar (database versions not stated): gnomAD 0.00001; TOPMed 0.00001.
gnomAD v4.1: 4 of 1,536,328 alleles (0.00026%); highest among the groups gnomAD compares: African/African-American, 0.0028%; no homozygotes.

Submission:

PreventionGenetics, part of Exact Sciences
Classification: Benign for SYNM-related condition. Last evaluated: 2019-11-26. Review status: no assertion criteria provided. Collection method: clinical testing. Allele origin: germline.
Comment: This variant is classified as benign based on ACMG/AMP sequence variant interpretation guidelines (Richards et al. 2015 PMID: 25741868, with internal and published modifications).